The following is an entry in ClinVar:

NM_005045.4(RELN):c.2053A>G (p.Thr685Ala)

Gene: RELN (reelin; minus strand). Cytogenetic location: 7q22.1.
Variant type: single nucleotide variant.
Coding change: c.2053A>G on transcript NM_005045.4 (MANE Select); coding-DNA position 2053, A replaced by G.
Protein change: p.Thr685Ala; replaces threonine 685 with alanine.
Molecular consequence: missense variant.
Genome position (GRCh38, 1-based): chr7:103,640,559, T>C on the plus strand (A>G on the coding strand, the complement: RELN is on the minus strand). VCF-style: chr7-103640559-T-C. GRCh37 (hg19) VCF-style: chr7-103281006-T-C.
Other names: c.2053A>G (NM_005045.3); c.2053A>G, p.Thr685Ala (NM_173054.3); short protein forms T685A.
Identifiers: ClinVar variation 1023127 (VCV001023127.13), dbSNP rs779358126, ClinGen allele CA4422095.
Genomic context (GRCh38, chr7:103,640,559, plus strand): 5'-CACATCAAAAAGGAGAAGCATAAGTGTTATTTTAAGATGCTTACTTGCAACCATGTCTAG[T>C]GCACTGTCCTCTGCCAGAACAGAATTTGAGACATGACGGGCCAATATAAACTGTGGGAGG-3'
Protein context (NP_005036.2, residues 675-695): LKFCSGRGQC[Thr685Ala]RHGCKCDPGF

ClinVar aggregate classification (germline): Uncertain significance. Review status: criteria provided, multiple submitters, no conflicts (2 of 4 stars). 5 submissions from 5 submitters: Uncertain significance (5). Last evaluated 2025-05-06.

Conditions:
Familial temporal lobe epilepsy 7. Identifiers: Orphanet 101046, MedGen C4225327, MONDO:0014639, OMIM 616436.
Norman-Roberts syndrome (LIS2). Also called: Lissencephaly 2 (Norman-Roberts type). Identifiers: Orphanet 89844, MedGen C0796089, MONDO:0009760, OMIM 257320.
RELN-related disorder. Also called: RELN-related condition.
Inborn genetic diseases. Identifiers: MedGen C0950123, MeSH D030342.

Allele frequency attached by ClinVar (database versions not stated): ExAC 0.00001; gnomAD 0.00001; gnomAD exomes 0.00001; TOPMed 0.00002.
gnomAD v4.1: 11 of 1,613,772 alleles (0.00068%); highest among the groups gnomAD compares: African/African-American, 0.0067%; no homozygotes.

Submissions (5):

Ambry Genetics
Classification: Uncertain significance for Inborn genetic diseases. Last evaluated: 2025-05-06. Review status: criteria provided, single submitter. Criteria: Ambry Variant Classification Scheme 2023. Collection method: clinical testing. Allele origin: germline.

PreventionGenetics, part of Exact Sciences
Classification: Uncertain significance for RELN-related condition. Last evaluated: 2025-02-03. Review status: criteria provided, single submitter. Criteria: ACMG Guidelines, 2015. Collection method: clinical testing. Allele origin: germline.
Comment: The RELN c.2053A>G variant is predicted to result in the amino acid substitution p.Thr685Ala. To our knowledge, this variant has not been reported in the literature. This variant is reported in 0.0058% of alleles in individuals of Latino descent in gnomAD. At this time, the clinical significance of this variant is uncertain due to the absence of conclusive functional and genetic evidence.

Labcorp Genetics (formerly Invitae), Labcorp
Classification: Uncertain significance for Familial temporal lobe epilepsy 7; Norman-Roberts syndrome. Last evaluated: 2024-11-05. Review status: criteria provided, single submitter. Criteria: Invitae Variant Classification Sherloc (09022015). Collection method: clinical testing. Allele origin: germline.
Comment: This sequence change replaces threonine, which is neutral and polar, with alanine, which is neutral and non-polar, at codon 685 of the RELN protein (p.Thr685Ala). This variant is present in population databases (rs779358126, gnomAD 0.009%). This variant has not been reported in the literature in individuals affected with RELN-related conditions. ClinVar contains an entry for this variant (Variation ID: 1023127). Invitae Evidence Modeling of protein sequence and biophysical properties (such as structural, functional, and spatial information, amino acid conservation, physicochemical variation, residue mobility, and thermodynamic stability) indicates that this missense variant is not expected to disrupt RELN protein function with a negative predictive value of 80%. In summary, the available evidence is currently insufficient to determine the role of this variant in disease. Therefore, it has been classified as a Variant of Uncertain Significance.

GeneDx
Classification: Uncertain significance. Last evaluated: 2024-10-11. Review status: criteria provided, single submitter. Criteria: GeneDx Variant Classification Process June 2021. Collection method: clinical testing. Allele origin: germline. Affected: yes.
Comment: Not observed at significant frequency in large population cohorts (gnomAD); In silico analysis indicates that this missense variant does not alter protein structure/function; Has not been previously published as pathogenic or benign to our knowledge

Blueprint Genetics
Classification: Uncertain significance. Last evaluated: 2021-06-18. Review status: criteria provided, single submitter. Criteria: ACMG Guidelines, 2015. Collection method: clinical testing. Allele origin: germline.